The following is an entry in ClinVar:

NM_178012.5(TUBB2B):c.547T>C (p.Tyr183His)

Gene: TUBB2B (tubulin beta 2B class IIb; minus strand). Cytogenetic location: 6p25.2.
Variant type: single nucleotide variant.
Coding change: c.547T>C on transcript NM_178012.5 (MANE Select); coding-DNA position 547, T replaced by C.
Protein change: p.Tyr183His; replaces tyrosine 183 with histidine.
Molecular consequence: missense variant.
Genome position (GRCh38, 1-based): chr6:3,225,542, A>G on the plus strand (T>C on the coding strand, the complement: TUBB2B is on the minus strand). VCF-style: chr6-3225542-A-G. GRCh37 (hg19) VCF-style: chr6-3225776-A-G.
Other names: short protein forms Y183H.
Identifiers: ClinVar variation 3252879 (VCV003252879.1), dbSNP rs2533617541.

ClinVar aggregate classification (germline): Likely pathogenic (1 of 4 stars; one submission).

Submission:

GeneDx
Classification: Likely pathogenic. Last evaluated: 2023-12-08. Review status: criteria provided, single submitter. Criteria: GeneDx Variant Classification Process June 2021. Collection method: clinical testing. Allele origin: germline. Affected: yes.
Comment: Not observed at significant frequency in large population cohorts (gnomAD); Missense variants in this gene are a common cause of disease and they are underrepresented in the general population; In silico analysis supports that this missense variant has a deleterious effect on protein structure/function; Has not been previously published as pathogenic or benign to our knowledge; This variant is associated with the following publications: (PMID: 24860126)